The following is an entry in ClinVar:

NM_001060.6(TBXA2R):c.82C>T (p.Pro28Ser)

Gene: TBXA2R (thromboxane A2 receptor; minus strand). Cytogenetic location: 19p13.3.
Variant type: single nucleotide variant.
Coding change: c.82C>T on transcript NM_001060.6 (MANE Select); coding-DNA position 82, C replaced by T.
Protein change: p.Pro28Ser; replaces proline 28 with serine.
Molecular consequence: missense variant.
Genome position (GRCh38, 1-based): chr19:3,600,553, G>A on the plus strand (C>T on the coding strand, the complement: TBXA2R is on the minus strand). VCF-style: chr19-3600553-G-A. GRCh37 (hg19) VCF-style: chr19-3600551-G-A.
Other names: c.82C>T, p.Pro28Ser (NM_201636.3); short protein forms P28S.
Identifiers: ClinVar variation 429346 (VCV000429346.2), dbSNP rs1131691334, ClinGen allele CA403335971.

ClinVar aggregate classification (germline): Likely pathogenic (1 of 4 stars; one submission).

Allele frequency attached by ClinVar (database versions not stated): gnomAD exomes below 0.00001.
gnomAD v4.1: 1 of 1,612,020 alleles (0.000062%); highest among the groups gnomAD compares: Non-Finnish European, 0.000085%; no homozygotes.

Submission:

GeneDx
Classification: Likely pathogenic. Last evaluated: 2017-05-08. Review status: criteria provided, single submitter. Criteria: GeneDx Variant Classification (06012015). Collection method: clinical testing. Allele origin: germline. Affected: yes.
Comment: The P28S variant in the TBXA2R gene has not been reported previously as a pathogenic variant, nor as a benign variant, to our knowledge. The P28S variant is not observed in large population cohorts (Lek et al., 2016; 1000 Genomes Consortium et al., 2015; Exome Variant Server). The P28S variant is a non-conservative amino acid substitution, which is likely to impact secondary protein structure as these residues differ in polarity, charge, size and/or other properties. This substitution occurs at a position that is conserved in mammals. In silico analysis is inconsistent in its predictions as to whether or not the variant is damaging to the protein structure/function. We interpret P28S as a likely pathogenic variant.